The following is an entry in ClinVar:

NM_019892.6(INPP5E):c.-34C>G

Gene: INPP5E (inositol polyphosphate-5-phosphatase E; minus strand). Cytogenetic location: 9q34.3.
Variant type: single nucleotide variant.
Coding change: c.-34C>G on transcript NM_019892.6 (MANE Select); 34 bases upstream of the start codon, C replaced by G.
Molecular consequence: 5 prime UTR variant.
Genome position (GRCh38, 1-based): chr9:136,439,453, G>C on the plus strand (C>G on the coding strand, the complement: INPP5E is on the minus strand). VCF-style: chr9-136439453-G-C. GRCh37 (hg19) VCF-style: chr9-139333905-G-C.
Other names: c.-34C>G (NM_001318502.2).
Identifiers: ClinVar variation 4980769 (VCV004980769.1).

ClinVar aggregate classification (germline): Likely benign (1 of 4 stars; one submission).

Conditions:
INPP5E-related disorder. Also called: INPP5E-related condition.

gnomAD v4.1: 5 of 1,416,040 alleles (0.00035%); highest among the groups gnomAD compares: Admixed American, 0.0028%; no homozygotes.

Submission:

PreventionGenetics, part of Exact Sciences
Classification: Likely benign for INPP5E-related condition. Last evaluated: 2025-04-28. Review status: criteria provided, single submitter. Criteria: ACMG Guidelines, 2015. Collection method: clinical testing. Allele origin: germline.
Comment: This variant is classified as likely benign based on ACMG/AMP sequence variant interpretation guidelines (Richards et al. 2015 PMID: 25741868, with internal and published modifications).